The following is an entry in ClinVar:

NM_006828.4(ASCC3):c.3434del (p.Lys1145fs)

Gene: ASCC3 (activating signal cointegrator 1 complex subunit 3; minus strand). Cytogenetic location: 6q16.3.
Variant type: Deletion.
Coding change: c.3434del on transcript NM_006828.4 (MANE Select); coding-DNA position 3434, one base deleted (A; older notation c.3434delA).
Protein change: p.Lys1145fs; shifts the reading frame from lysine 1145.
Molecular consequence: frameshift variant.
Genome position (GRCh38, 1-based): chr6:100,647,270, T deleted on the plus strand (A on the coding strand, the reverse complement: ASCC3 is on the minus strand); the first of 7 consecutive T bases (chr6:100,647,270-100,647,276); deleting any one gives the same sequence. VCF-style (leftmost placement, unchanged base first): chr6-100647269-CT-C. GRCh37 (hg19) VCF-style: chr6-101095145-CT-C.
Other names: c.3434delA (NM_006828.2); short protein forms K1145fs.
Identifiers: ClinVar variation 422281 (VCV000422281.5), dbSNP rs759097017, ClinGen allele CA16618229.

ClinVar aggregate classification (germline): Uncertain significance. Review status: criteria provided, single submitter (1 of 4 stars). 2 submissions from 2 submitters: Uncertain significance (1). 1 of the submissions does not count toward it. Last evaluated 2019-10-08.

Conditions:
Intellectual developmental disorder, autosomal recessive 81 (MRT81). Identifiers: MedGen C5882758, MONDO:0958204, OMIM 620700.

Submissions (2):

GeneDx
Classification: Uncertain significance. Last evaluated: 2019-10-08. Review status: criteria provided, single submitter. Criteria: GeneDx Variant Classification Process June 2021. Collection method: clinical testing. Allele origin: germline. Affected: yes.
Comment: Not observed in large population cohorts (Lek et al., 2016); Frameshift variant predicted to result in protein truncation or nonsense mediated decay in a gene for which loss-of-function is not a known mechanism of disease; Has not been previously published as pathogenic or benign to our knowledge; Variants in candidate genes are classified as variants of uncertain significance in accordance with ACMG guidelines (Richards et al., 2015)

OMIM
Classification: Pathogenic for INTELLECTUAL DEVELOPMENTAL DISORDER, AUTOSOMAL RECESSIVE 81. Last evaluated: 2024-02-02. Review status: no assertion criteria provided. Collection method: literature only. Allele origin: germline. Not counted in ClinVar's aggregate classification.

Literature cited by the submitters: PubMed 35047834 (cited by OMIM).